The following is an entry in ClinVar:

NM_001844.5(COL2A1):c.1550del (p.Phe517fs)

Gene: COL2A1 (collagen type II alpha 1 chain; minus strand). Cytogenetic location: 12q13.11.
Variant type: Deletion.
Coding change: c.1550del on transcript NM_001844.5 (MANE Select); coding-DNA position 1550, one base deleted (T; older notation c.1550delT).
Protein change: p.Phe517fs; shifts the reading frame from phenylalanine 517.
Molecular consequence: frameshift variant.
Genome position (GRCh38, 1-based): chr12:47,985,943, A deleted on the plus strand (T on the coding strand, the reverse complement: COL2A1 is on the minus strand); the first of 3 consecutive A bases (chr12:47,985,943-47,985,945); deleting any one gives the same sequence. VCF-style (leftmost placement, unchanged base first): chr12-47985942-GA-G. GRCh37 (hg19) VCF-style: chr12-48379725-GA-G.
Other names: c.1343del, p.Phe448fs (NM_033150.3); short protein forms F448fs, F517fs.
Identifiers: ClinVar variation 3648532 (VCV003648532.2).

ClinVar aggregate classification (germline): Pathogenic (1 of 4 stars; one submission).

Submission:

Labcorp Genetics (formerly Invitae), Labcorp
Classification: Pathogenic. Last evaluated: 2026-01-08. Review status: criteria provided, single submitter. Criteria: Invitae Variant Classification Sherloc (09022015). Collection method: clinical testing. Allele origin: germline.
Comment: This sequence change creates a premature translational stop signal (p.Phe517Serfs*112) in the COL2A1 gene. It is expected to result in an absent or disrupted protein product. Loss-of-function variants in COL2A1 are known to be pathogenic (PMID: 20179744). This variant is not present in population databases (gnomAD no frequency). This variant has not been reported in the literature in individuals affected with COL2A1-related conditions. ClinVar contains an entry for this variant (Variation ID: 3648532). For these reasons, this variant has been classified as Pathogenic.

Literature cited by the submitters: PubMed 20179744.